The following is an entry in ClinVar:

ClinVar aggregate classification (germline): Uncertain significance (1 of 4 stars; one submission).

Conditions:
Hereditary cancer-predisposing syndrome. Also called: Hereditary Cancer Syndrome; Neoplastic Syndromes, Hereditary; Tumor predisposition; Hereditary neoplastic syndrome. Identifiers: Orphanet 140162, MedGen C0027672, MeSH D009386, MONDO:0015356.

Submission:

Ambry Genetics
Classification: Uncertain significance for Hereditary cancer-predisposing syndrome. Last evaluated: 2020-06-17. Review status: criteria provided, single submitter. Criteria: Ambry Variant Classification Scheme 2023. Collection method: clinical testing. Allele origin: germline.
Comment: The p.A1731S variant (also known as c.5191G>T), located in coding exon 15 of the APC gene, results from a G to T substitution at nucleotide position 5191. The alanine at codon 1731 is replaced by serine, an amino acid with similar properties. This amino acid position is highly conserved in available vertebrate species. In addition, in silico predictors for this gene do not accurately predict pathogenicity. Since supporting evidence is limited at this time, the clinical significance of this alteration remains unclear.

NM_000038.6(APC):c.5191G>T (p.Ala1731Ser)

Gene: APC (APC regulator of Wnt signaling pathway; plus strand). Cytogenetic location: 5q22.2.
Variant type: single nucleotide variant.
Coding change: c.5191G>T on transcript NM_000038.6 (MANE Select); coding-DNA position 5191, G replaced by T.
Protein change: p.Ala1731Ser; replaces alanine 1731 with serine.
Molecular consequence: missense variant.
Genome position (GRCh38, 1-based): chr5:112,840,785, G>T. VCF-style: chr5-112840785-G-T. GRCh37 (hg19) VCF-style: chr5-112176482-G-T.
Other names: c.5245G>T, p.Ala1749Ser (NM_001354896.2, NM_001407447.1, NM_001407448.1 and 1 more transcripts); c.5014G>T, p.Ala1672Ser (NM_001354901.2, NM_001407453.1); c.5116G>T, p.Ala1706Ser (NM_001354898.2); c.5107G>T, p.Ala1703Ser (NM_001354899.2); c.5221G>T, p.Ala1741Ser (NM_001354897.2); c.5068G>T, p.Ala1690Ser (NM_001354900.2); c.5191G>T, p.Ala1731Ser (NM_001127510.3, NM_001354895.2, NM_001407450.1); c.5137G>T, p.Ala1713Ser (NM_001127511.3); and 11 more; short protein forms A1571S, A1605S, A1640S, A1703S, A1706S, A1724S, A1731S, A1759S.
Identifiers: ClinVar variation 1745920 (VCV001745920.2), dbSNP rs1580657255, ClinGen allele CA16032678.